The following is an entry in ClinVar:

ClinVar aggregate classification (germline): Likely benign. Review status: reviewed by expert panel (3 of 4 stars). 3 submissions from 3 submitters: Likely benign (1). 2 of the submissions do not count toward it. Last evaluated 2024-09-10.

Conditions:
Inborn genetic diseases. Identifiers: MedGen C0950123, MeSH D030342.
Hereditary thrombocytopenia and hematological cancer predisposition syndrome associated with RUNX1. Also called: Familial thrombocytopenia with propensity to acute myelogenous leukemia; PLATELET DISORDER, ASPIRIN-LIKE; RUNX1 Familial Platelet Disorder with Associated Myeloid Malignancies; Familial Platelet Disorder with Propensity to Acute Myelogenous Leukemia. Identifiers: Orphanet 71290, MedGen C1832388, MeSH C563324, MONDO:0100083, OMIM 601399.
Hereditary thrombocytopenia and hematologic cancer predisposition syndrome. Identifiers: Orphanet 71290, MedGen CN281654, MONDO:0011071.

Allele frequency attached by ClinVar (database versions not stated): TOPMed 0.00001; ExAC 0.00004; 1000 Genomes Project 30x 0.00016.
gnomAD v4.1: 4 of 1,602,250 alleles (0.00025%); highest among the groups gnomAD compares: East Asian, 0.0045%; no homozygotes.

Submissions (3):

ClinGen Myeloid Malignancy Variant Curation Expert Panel
Classification: Likely benign for Hereditary thrombocytopenia and hematologic cancer predisposition syndrome. Last evaluated: 2024-09-10. Review status: reviewed by expert panel. Criteria: ClinGen MyeloMalig ACMG Specifications v2. Collection method: curation. Allele origin: germline. Inheritance: Autosomal dominant inheritance.
Comment: NM_001754.5(RUNX1):c.998C>T (p.Pro333Leu) is a missense variant with a MAF of 0.0001937 (0.01937%, 1/5162, 1 allele) in the East Asian subpopulation of the gnomAD v3.1.2 cohort, which is between 0.00015 (0.015%) and 0.0015 (0.15%) (BS1). This missense variant has a REVEL score < 0.50 (0.346) and a SpliceAI score ≤ 0.20 (0.0) (BP4). In summary, this variant meets criteria to be classified as likely benign. ACMG/AMP criteria applied, as specified by the Myeloid Malignancy Variant Curation Expert Panel for RUNX1: BS1, BP4.

Ambry Genetics
Classification: Uncertain significance for Inborn genetic diseases. Last evaluated: 2025-08-01. Review status: criteria provided, single submitter. Criteria: Ambry Variant Classification Scheme 2023. Collection method: clinical testing. Allele origin: germline. Not counted in ClinVar's aggregate classification.
Comment: The p.P333L variant (also known as c.998C>T), located in coding exon 8 of the RUNX1 gene, results from a C to T substitution at nucleotide position 998. The proline at codon 333 is replaced by leucine, an amino acid with similar properties. This amino acid position is conserved. In addition, this alteration is predicted to be tolerated by in silico analysis. Based on the available evidence, the clinical significance of this variant remains unclear.

Labcorp Genetics (formerly Invitae), Labcorp
Classification: Uncertain significance for Hereditary thrombocytopenia and hematological cancer predisposition syndrome associated with RUNX1. Last evaluated: 2021-04-27. Review status: criteria provided, single submitter. Criteria: Invitae Variant Classification Sherloc (09022015). Collection method: clinical testing. Allele origin: germline. Not counted in ClinVar's aggregate classification.
Comment: In summary, the available evidence is currently insufficient to determine the role of this variant in disease. Therefore, it has been classified as a Variant of Uncertain Significance. Algorithms developed to predict the effect of missense changes on protein structure and function are either unavailable or do not agree on the potential impact of this missense change (SIFT: "Deleterious"; PolyPhen-2: "Possibly Damaging"; Align-GVGD: "Class C0"). This variant has not been reported in the literature in individuals with RUNX1-related conditions. This variant is present in population databases (rs200104203, ExAC 0.007%). This sequence change replaces proline with leucine at codon 333 of the RUNX1 protein (p.Pro333Leu). The proline residue is moderately conserved and there is a moderate physicochemical difference between proline and leucine.

NM_001754.5(RUNX1):c.998C>T (p.Pro333Leu)

Gene: RUNX1 (RUNX family transcription factor 1; minus strand). Cytogenetic location: 21q22.12.
Variant type: single nucleotide variant.
Coding change: c.998C>T on transcript NM_001754.5 (MANE Select); coding-DNA position 998, C replaced by T.
Protein change: p.Pro333Leu; replaces proline 333 with leucine.
Molecular consequence: missense variant.
Genome position (GRCh38, 1-based): chr21:34,792,580, G>A on the plus strand (C>T on the coding strand, the complement: RUNX1 is on the minus strand). VCF-style: chr21-34792580-G-A. GRCh37 (hg19) VCF-style: chr21-36164877-G-A.
Other names: NM_001754.5(RUNX1):c.998C>T; p.Pro333Leu; c.917C>T, p.Pro306Leu (NM_001001890.3); c.998C>T (NM_001754.4); short protein forms P306L, P333L.
Identifiers: ClinVar variation 1015734 (VCV001015734.11), dbSNP rs200104203, ClinGen allele CA10014224.